The following is an entry in ClinVar:

NM_201596.3(CACNB2):c.1469C>A (p.Thr490Asn)

Gene: CACNB2 (calcium voltage-gated channel auxiliary subunit beta 2; plus strand). Cytogenetic location: 10p12.31.
Variant type: single nucleotide variant.
Coding change: c.1469C>A on transcript NM_201596.3 (MANE Select); coding-DNA position 1469, C replaced by A.
Protein change: p.Thr490Asn; replaces threonine 490 with asparagine.
Molecular consequence: missense variant.
Genome position (GRCh38, 1-based): chr10:18,538,346, C>A. VCF-style: chr10-18538346-C-A. GRCh37 (hg19) VCF-style: chr10-18827275-C-A.
Other names: c.1304C>A, p.Thr435Asn (NM_000724.4); c.1271C>A, p.Thr424Asn (NM_001167945.2); c.1190C>A, p.Thr397Asn (NM_001330060.2); c.1211C>A, p.Thr404Asn (NM_001410882.1); c.1325C>A, p.Thr442Asn (NM_201570.3); c.1385C>A, p.Thr462Asn (NM_201571.4); c.1313C>A, p.Thr438Asn (NM_201572.4); c.1307C>A, p.Thr436Asn (NM_201590.3); and 2 more; short protein forms T438N, T452N, T424N, T435N, T462N, T466N, T404N, T442N.
Identifiers: ClinVar variation 3484145 (VCV003484145.2).

ClinVar aggregate classification (germline): Conflicting classifications of pathogenicity. Review status: criteria provided, conflicting classifications (1 of 4 stars). 2 submissions from 2 submitters: Uncertain significance (1); Likely benign (1). Last evaluated 2026-01-26.

Conditions:
Cardiovascular phenotype. Identifiers: MedGen CN230736.
Brugada syndrome 4 (BRGDA4). Identifiers: Orphanet 130, MedGen C2678477, MONDO:0012743, OMIM 611876.

gnomAD v4.1: 17 of 1,613,132 alleles (0.0011%); highest among the groups gnomAD compares: African/African-American, 0.011%; no homozygotes.

Submissions (2):

Labcorp Genetics (formerly Invitae), Labcorp
Classification: Uncertain significance for Brugada syndrome 4. Last evaluated: 2026-01-26. Review status: criteria provided, single submitter. Criteria: Invitae Variant Classification Sherloc (09022015). Collection method: clinical testing. Allele origin: germline.
Comment: This sequence change replaces threonine, which is neutral and polar, with asparagine, which is neutral and polar, at codon 436 of the CACNB2 protein (p.Thr436Asn). This variant is present in population databases (rs748111227, gnomAD 0.008%). This variant has not been reported in the literature in individuals affected with CACNB2-related conditions. ClinVar contains an entry for this variant (Variation ID: 3484145). Invitae Evidence Modeling of protein sequence and biophysical properties (such as structural, functional, and spatial information, amino acid conservation, physicochemical variation, residue mobility, and thermodynamic stability) indicates that this missense variant is not expected to disrupt CACNB2 protein function with a negative predictive value of 80%. In summary, the available evidence is currently insufficient to determine the role of this variant in disease. Therefore, it has been classified as a Variant of Uncertain Significance.

Ambry Genetics
Classification: Likely benign for Cardiovascular phenotype. Last evaluated: 2024-07-10. Review status: criteria provided, single submitter. Criteria: Ambry Variant Classification Scheme 2023. Collection method: clinical testing. Allele origin: germline.